The following is an entry in ClinVar:

ClinVar aggregate classification (germline): Uncertain significance (1 of 4 stars; one submission).

Submission:

GeneDx
Classification: Uncertain significance. Last evaluated: 2024-09-26. Review status: criteria provided, single submitter. Criteria: GeneDx Variant Classification Process June 2021. Collection method: clinical testing. Allele origin: germline. Affected: yes.
Comment: Not observed at significant frequency in large population cohorts (gnomAD); In silico analysis supports that this missense variant has a deleterious effect on protein structure/function; Has not been previously published as pathogenic or benign to our knowledge

NM_001270.4(CHD1):c.3292T>C (p.Ser1098Pro)

Gene: CHD1 (chromodomain helicase DNA binding protein 1; minus strand). Cytogenetic location: 5q15.
Variant type: single nucleotide variant.
Coding change: c.3292T>C on transcript NM_001270.4 (MANE Select); coding-DNA position 3292, T replaced by C.
Protein change: p.Ser1098Pro; replaces serine 1098 with proline.
Molecular consequence: missense variant. On other transcripts: non-coding transcript variant (2).
Genome position (GRCh38, 1-based): chr5:98,876,504, A>G on the plus strand (T>C on the coding strand, the complement: CHD1 is on the minus strand). VCF-style: chr5-98876504-A-G. GRCh37 (hg19) VCF-style: chr5-98212208-A-G.
Other names: c.3292T>C, p.Ser1098Pro (NM_001364113.3, NM_001376194.2); short protein forms S1098P.
Identifiers: ClinVar variation 3776494 (VCV003776494.1).